The following is an entry in ClinVar:

NM_004006.3(DMD):c.6068T>G (p.Leu2023Arg)

Gene: DMD (dystrophin; minus strand). Cytogenetic location: Xp21.1.
Variant type: single nucleotide variant.
Coding change: c.6068T>G on transcript NM_004006.3 (MANE Select); coding-DNA position 6068, T replaced by G.
Protein change: p.Leu2023Arg; replaces leucine 2023 with arginine.
Molecular consequence: missense variant.
Genome position (GRCh38, 1-based): chrX:32,310,131, A>C on the plus strand (T>G on the coding strand, the complement: DMD is on the minus strand). VCF-style: chrX-32310131-A-C. GRCh37 (hg19) VCF-style: chrX-32328248-A-C.
Other names: c.6044T>G, p.Leu2015Arg (NM_000109.4); c.6056T>G, p.Leu2019Arg (NM_004009.3); c.5699T>G, p.Leu1900Arg (NM_004010.3); c.2045T>G, p.Leu682Arg (NM_004011.4); c.2036T>G, p.Leu679Arg (NM_004012.4); short protein forms L2023R, L1900R, L2015R, L679R, L2019R, L682R.
Identifiers: ClinVar variation 409943 (VCV000409943.20), dbSNP rs1060502662, ClinGen allele CA16616674.

ClinVar aggregate classification (germline): Uncertain significance. Review status: criteria provided, single submitter (1 of 4 stars). 4 submissions from 4 submitters: Uncertain significance (1). 3 of the submissions do not count toward it. Last evaluated 2024-01-30.

Conditions:
Becker muscular dystrophy (BMD). Also called: MUSCULAR DYSTROPHY, PSEUDOHYPERTROPHIC PROGRESSIVE, BECKER TYPE; Becker Muscular Dystrophy (BMD). Identifiers: Orphanet 98895, MedGen C0917713, MONDO:0010311, OMIM 300376.
Cardiomyopathy (CMYO). Also called: Cardiomyopathies. Identifiers: Orphanet 167848, MedGen C0878544, MONDO:0004994, HP:0001638. Inheritance: Various modes of inheritance.
Duchenne muscular dystrophy (DMD). Also called: MUSCULAR DYSTROPHY, PSEUDOHYPERTROPHIC PROGRESSIVE, DUCHENNE TYPE; Duchenne Muscular Dystrophy (DMD). Identifiers: Orphanet 98896, MedGen C0013264, MONDO:0010679, OMIM 310200.
Dystrophin deficiency.

Allele frequency attached by ClinVar (database versions not stated): gnomAD exomes 0.00001; TOPMed 0.00001; gnomAD 0.00002.
gnomAD v4.1: 12 of 1,207,714 alleles (0.00099%); highest among the groups gnomAD compares: Non-Finnish European, 0.0012%; no homozygotes.

Submissions (4):

Labcorp Genetics (formerly Invitae), Labcorp
Classification: Uncertain significance for Duchenne muscular dystrophy. Last evaluated: 2024-01-30. Review status: criteria provided, single submitter. Criteria: Invitae Variant Classification Sherloc (09022015). Collection method: clinical testing. Allele origin: germline.
Comment: This sequence change replaces leucine, which is neutral and non-polar, with arginine, which is basic and polar, at codon 2023 of the DMD protein (p.Leu2023Arg). This variant is not present in population databases (gnomAD no frequency). This missense change has been observed in individual(s) with dilated cardiomyopathy (Invitae). ClinVar contains an entry for this variant (Variation ID: 409943). Advanced modeling of protein sequence and biophysical properties (such as structural, functional, and spatial information, amino acid conservation, physicochemical variation, residue mobility, and thermodynamic stability) performed at Invitae indicates that this missense variant is not expected to disrupt DMD protein function with a negative predictive value of 95%. In summary, the available evidence is currently insufficient to determine the role of this variant in disease. Therefore, it has been classified as a Variant of Uncertain Significance.

Natera, Inc.
Classification: Uncertain significance for Becker muscular dystrophy; Cardiomyopathy; Duchenne muscular dystrophy; Dystrophin deficiency. Last evaluated: 2020-06-12. Review status: no assertion criteria provided. Collection method: clinical testing. Allele origin: germline. Not counted in ClinVar's aggregate classification.

Clinical Genetics DNA and cytogenetics Diagnostics Lab, Erasmus MC, Erasmus Medical Center
Classification: Uncertain significance. Review status: no assertion criteria provided. Collection method: clinical testing. Allele origin: germline. Affected: yes. Study: VKGL Data-share Consensus. Not counted in ClinVar's aggregate classification.

Diagnostic Laboratory, Department of Genetics, University Medical Center Groningen
Classification: Uncertain significance. Review status: no assertion criteria provided. Collection method: clinical testing. Allele origin: germline. Affected: yes. Study: VKGL Data-share Consensus. Not counted in ClinVar's aggregate classification.